The following is an entry in ClinVar:

ClinVar aggregate classification (germline): Pathogenic (1 of 4 stars; one submission).

Allele frequency attached by ClinVar (database versions not stated): gnomAD exomes 0.00001.
gnomAD v4.1: 8 of 1,611,800 alleles (0.0005%); highest among the groups gnomAD compares: Non-Finnish European, 0.00059%; no homozygotes.

Submission:

Labcorp Genetics (formerly Invitae), Labcorp
Classification: Pathogenic. Last evaluated: 2024-01-14. Review status: criteria provided, single submitter. Criteria: Invitae Variant Classification Sherloc (09022015). Collection method: clinical testing. Allele origin: germline.
Comment: This sequence change affects an acceptor splice site in intron 44 of the COL17A1 gene. It is expected to disrupt RNA splicing. Variants that disrupt the donor or acceptor splice site typically lead to a loss of protein function (PMID: 16199547), and loss-of-function variants in COL17A1 are known to be pathogenic (PMID: 16473856, 17344927, 20301304, 21357940, 24319098). This variant is not present in population databases (gnomAD no frequency). Disruption of this splice site has been observed in individual(s) with autosomal recessive generalized atrophic benign epidermolysis bullosa (PMID: 10636730). In at least one individual the data is consistent with being in trans (on the opposite chromosome) from a pathogenic variant. This variant is also known as 3053-1G>C. Algorithms developed to predict the effect of sequence changes on RNA splicing suggest that this variant may disrupt the consensus splice site. For these reasons, this variant has been classified as Pathogenic.

Literature cited by the submitters: PubMed 16199547; PubMed 16473856; PubMed 17344927; PubMed 20301304; PubMed 21357940; PubMed 24319098; PubMed 10636730.

NM_000494.4(COL17A1):c.2948-1G>C

Gene: COL17A1 (collagen type XVII alpha 1 chain; minus strand). Cytogenetic location: 10q25.1.
Variant type: single nucleotide variant.
Coding change: c.2948-1G>C on transcript NM_000494.4 (MANE Select); the canonical splice acceptor site of the intron before coding-DNA position 2948, G replaced by C.
Molecular consequence: splice acceptor variant.
Genome position (GRCh38, 1-based): chr10:104,038,529, C>G on the plus strand (G>C on the coding strand, the complement: COL17A1 is on the minus strand). VCF-style: chr10-104038529-C-G. GRCh37 (hg19) VCF-style: chr10-105798287-C-G.
Identifiers: ClinVar variation 2735483 (VCV002735483.3), dbSNP rs2493293194, ClinGen allele CA378067630.